The following is an entry in ClinVar:

ClinVar aggregate classification (germline): Conflicting classifications of pathogenicity. Review status: criteria provided, conflicting classifications (1 of 4 stars). 10 submissions from 9 submitters: Uncertain significance (8); Benign (1). 1 of the submissions does not count toward it. Last evaluated 2026-09-01.

Conditions:
NPHP4-related disorder. Also called: NPHP4-related condition; NPHP4-related disorders. Identifiers: MedGen CN239384.
Nephronophthisis. Also called: Juvenile Nephronophthisis. Identifiers: Orphanet 655, MedGen C0687120, MONDO:0019005, HP:0000090.
Senior-Loken syndrome 4 (SLSN4). Identifiers: Orphanet 3156, MedGen C1846979, MONDO:0011756, OMIM 606996.
Nephronophthisis 4 (NPHP4). Also called: NEPHRONOPHTHISIS 4, JUVENILE. Identifiers: Orphanet 655, MedGen C1847013, MONDO:0011752, OMIM 606966.

Allele frequency attached by ClinVar (database versions not stated): gnomAD 0.00053 and 0.00052; 1000 Genomes Project 30x 0.00109; gnomAD exomes 0.00014; ESP Exome Variant Server 0.00032; TOPMed 0.00050; ExAC 0.00041; 1000 Genomes Project 0.00120.
gnomAD v4.1: 291 of 1,585,582 alleles (0.018%); highest among the groups gnomAD compares: African/African-American, 0.17%; no homozygotes.

Submissions (10):

CeGaT Center for Human Genetics Tuebingen
Classification: Uncertain significance. Last evaluated: 2026-09-01. Review status: criteria provided, single submitter. Criteria: CeGaT Center For Human Genetics Tuebingen Variant Classification Criteria Version 2. Collection method: clinical testing. Allele origin: germline. Affected: yes. Observed: 1 variant allele.
Comment: NPHP4: PM2, BP4

PreventionGenetics, part of Exact Sciences
Classification: Uncertain significance for NPHP4-related condition. Last evaluated: 2026-06-08. Review status: criteria provided, single submitter. Criteria: ACMG Guidelines, 2015. Collection method: clinical testing. Allele origin: germline.
Comment: The NPHP4 c.3181G>A variant is predicted to result in the amino acid substitution p.Val1061Ile. This variant was reported in an individual with nephronophthisis, although no second potential causative variant was identified (supplementary data, Hoefele et al. 2007. PubMed ID: 17855640). However, this variant is reported in 0.10% of alleles in individuals of African descent in gnomAD, which may be too frequent to be a primary cause of disease. Although we suspect that this variant may be benign, at this time, the clinical significance of this variant is uncertain due to the absence of conclusive functional and genetic evidence.

Labcorp Genetics (formerly Invitae), Labcorp
Classification: Uncertain significance for Nephronophthisis. Last evaluated: 2026-01-20. Review status: criteria provided, single submitter. Criteria: Invitae Variant Classification Sherloc (09022015). Collection method: clinical testing. Allele origin: germline.
Comment: This sequence change replaces valine, which is neutral and non-polar, with isoleucine, which is neutral and non-polar, at codon 1061 of the NPHP4 protein (p.Val1061Ile). This variant is present in population databases (rs143020939, gnomAD 0.1%). This variant has not been reported in the literature in individuals affected with NPHP4-related conditions. ClinVar contains an entry for this variant (Variation ID: 167372). Invitae Evidence Modeling of protein sequence and biophysical properties (such as structural, functional, and spatial information, amino acid conservation, physicochemical variation, residue mobility, and thermodynamic stability) indicates that this missense variant is not expected to disrupt NPHP4 protein function with a negative predictive value of 80%. In summary, the available evidence is currently insufficient to determine the role of this variant in disease. Therefore, it has been classified as a Variant of Uncertain Significance.

Blueprint Genetics
Classification: Benign. Last evaluated: 2024-02-19. Review status: criteria provided, single submitter. Criteria: ACMG Guidelines, 2015. Collection method: clinical testing. Allele origin: germline.

Mayo Clinic Laboratories, Mayo Clinic
Classification: Uncertain significance. Last evaluated: 2022-10-04. Review status: criteria provided, single submitter. Criteria: ACMG Guidelines, 2015. Collection method: clinical testing. Allele origin: germline. Observed: 2 variant alleles.

Fulgent Genetics
Classification: Uncertain significance for Nephronophthisis 4; Senior-Loken syndrome 4. Last evaluated: 2018-10-31. Review status: criteria provided, single submitter. Criteria: ACMG Guidelines, 2015. Collection method: clinical testing. Allele origin: unknown.

Eurofins Ntd Llc (ga)
Classification: Uncertain significance. Last evaluated: 2018-08-15. Review status: criteria provided, single submitter. Criteria: EGL ClinVar v180209 classification definitions. Collection method: clinical testing. Allele origin: germline. Observed: 9 variant alleles, 9 heterozygotes.

Illumina Laboratory Services, Illumina
Classification: Uncertain significance for Nephronophthisis 4. Last evaluated: 2017-09-28. Review status: criteria provided, single submitter. Criteria: ICSL Variant Classification Criteria 13 December 2019. Collection method: clinical testing. Allele origin: germline.
Comment: This variant was observed as part of a predisposition screen in an ostensibly healthy population. A literature search was performed for the gene, cDNA change, and amino acid change (where applicable). Publications were found based on this search. However, the evidence from the literature, in combination with allele frequency data from public databases where available, was not sufficient to rule this variant in or out of causing disease. Therefore, this variant is classified as a variant of unknown significance.

Illumina Laboratory Services, Illumina
Classification: Uncertain significance for Senior-Loken syndrome 4. Last evaluated: 2017-09-28. Review status: criteria provided, single submitter. Criteria: ICSL Variant Classification Criteria 13 December 2019. Collection method: clinical testing. Allele origin: germline.

Genetic Services Laboratory, University of Chicago
Classification: Uncertain significance. Last evaluated: 2022-05-10. Review status: no assertion criteria provided. Collection method: clinical testing. Allele origin: germline. Affected: no. Not counted in ClinVar's aggregate classification.
Comment: DNA sequence analysis of the NPHP4 gene demonstrated a sequence change, c.3181G>A, in exon 22 that results in an amino acid change, p.Val1061Ile. This sequence change has been described in the gnomAD database with a frequency of 0.10% in the African/African American subpopulation (dbSNP rs143020939). The p.Val1061Ile change affects a poorly conserved amino acid residue located in a domain of the NPHP4 protein that is not known to be functional. The p.Val1061Ile substitution appears to be benign using several in-silico pathogenicity prediction tools (SIFT, PolyPhen2, Align GVGD, REVEL). This sequence change does not appear to have been previously described in individuals with NPHP4-related disorders. Due to insufficient evidences and the lack of functional studies, the clinical significance of the p.Val1061Ile change remains unknown at this time.

Literature cited by the submitters: PubMed 17855640 (cited by Mayo Clinic Laboratories, Mayo Clinic and Illumina Laboratory Services, Illumina).

NM_015102.5(NPHP4):c.3181G>A (p.Val1061Ile)

Gene: NPHP4 (nephrocystin 4; minus strand). Cytogenetic location: 1p36.31.
Variant type: single nucleotide variant.
Coding change: c.3181G>A on transcript NM_015102.5 (MANE Select); coding-DNA position 3181, G replaced by A.
Protein change: p.Val1061Ile; replaces valine 1061 with isoleucine.
Molecular consequence: missense variant. On other transcripts: non-coding transcript variant (1).
Genome position (GRCh38, 1-based): chr1:5,874,521, C>T on the plus strand (G>A on the coding strand, the complement: NPHP4 is on the minus strand). VCF-style: chr1-5874521-C-T. GRCh37 (hg19) VCF-style: chr1-5934581-C-T.
Other names: c.1642G>A, p.Val548Ile (NM_001291593.2); c.1645G>A, p.Val549Ile (NM_001291594.2); short protein forms V1061I, V548I, V549I.
Identifiers: ClinVar variation 167372 (VCV000167372.20), dbSNP rs143020939, ClinGen allele CA234410.